The following is an entry in ClinVar:

NM_001130438.3(SPTAN1):c.1063G>A (p.Ala355Thr)

Gene: SPTAN1 (spectrin alpha, non-erythrocytic 1; plus strand). Cytogenetic location: 9q34.11.
Variant type: single nucleotide variant.
Coding change: c.1063G>A on transcript NM_001130438.3 (MANE Select); coding-DNA position 1063, G replaced by A.
Protein change: p.Ala355Thr; replaces alanine 355 with threonine.
Molecular consequence: missense variant.
Genome position (GRCh38, 1-based): chr9:128,577,484, G>A. VCF-style: chr9-128577484-G-A. GRCh37 (hg19) VCF-style: chr9-131339763-G-A.
Other names: c.1063G>A, p.Ala355Thr (NM_001195532.2, NM_001363759.2, NM_001363765.2 and 5 more transcripts); c.1099G>A, p.Ala367Thr (NM_001375312.2, NM_001375318.1); short protein forms A355T, A367T.
Identifiers: ClinVar variation 1897670 (VCV001897670.5), dbSNP rs988012905, ClinGen allele CA375049946.

ClinVar aggregate classification (germline): Uncertain significance (1 of 4 stars; one submission).

Conditions:
Early-infantile DEE. Also called: Ohtahara syndrome; Early infantile epileptic encephalopathy; Early infantile epileptic encephalopathy with suppression bursts. Identifiers: Orphanet 1934, MedGen C0393706, MONDO:0800491.

gnomAD v4.1: 4 of 1,614,048 alleles (0.00025%); highest among the groups gnomAD compares: Non-Finnish European, 0.00034%; no homozygotes.

Submission:

Labcorp Genetics (formerly Invitae), Labcorp
Classification: Uncertain significance for Early-infantile DEE. Last evaluated: 2024-07-15. Review status: criteria provided, single submitter. Criteria: Invitae Variant Classification Sherloc (09022015). Collection method: clinical testing. Allele origin: germline.
Comment: This sequence change replaces alanine, which is neutral and non-polar, with threonine, which is neutral and polar, at codon 355 of the SPTAN1 protein (p.Ala355Thr). This variant is not present in population databases (gnomAD no frequency). This variant has not been reported in the literature in individuals affected with SPTAN1-related conditions. ClinVar contains an entry for this variant (Variation ID: 1897670). Advanced modeling of protein sequence and biophysical properties (such as structural, functional, and spatial information, amino acid conservation, physicochemical variation, residue mobility, and thermodynamic stability) has been performed at Invitae for this missense variant, however the output from this modeling did not meet the statistical confidence thresholds required to predict the impact of this variant on SPTAN1 protein function. In summary, the available evidence is currently insufficient to determine the role of this variant in disease. Therefore, it has been classified as a Variant of Uncertain Significance.